The following is an entry in ClinVar:

ClinVar aggregate classification (germline): Likely benign (1 of 4 stars; one submission).

Submission:

GeneDx
Classification: Likely benign. Last evaluated: 2018-01-18. Review status: criteria provided, single submitter. Criteria: GeneDx Variant Classification (06012015). Collection method: clinical testing. Allele origin: germline. Affected: yes.
Comment: This variant is considered likely benign or benign based on one or more of the following criteria: it is a conservative change, it occurs at a poorly conserved position in the protein, it is predicted to be benign by multiple in silico algorithms, and/or has population frequency not consistent with disease.

NM_006831.3(CLP1):c.-23+14dup

Gene: CLP1 (cleavage factor polyribonucleotide kinase subunit 1; plus strand). Cytogenetic location: 11q12.1.
Variant type: Duplication.
Coding change: c.-23+14dup on transcript NM_006831.3 (MANE Select); 14 bases into the intron after 23 bases upstream of the start codon, one base duplicated (A; older notation c.-23+14dupA).
Molecular consequence: intron variant.
Genome position (GRCh38, 1-based): chr11:57,657,874, A duplicated; the last of 7 consecutive A bases (chr11:57,657,868-57,657,874); duplicating any one gives the same sequence. VCF-style (leftmost placement, unchanged base first): chr11-57657867-T-TA. GRCh37 (hg19) VCF-style: chr11-57425339-T-TA.
Other names: c.-23+14dup (NM_001142597.2); c.-23+14dupA (NM_006831.2).
Identifiers: ClinVar variation 514937 (VCV000514937.1), dbSNP rs755099242, ClinGen allele CA223047603.